The following is an entry in ClinVar:

ClinVar aggregate classification (germline): Uncertain significance (1 of 4 stars; one submission).

Allele frequency attached by ClinVar (database versions not stated): ExAC 0.00001; gnomAD exomes 0.00001; ESP Exome Variant Server 0.00008.
gnomAD v4.1: 3 of 1,613,304 alleles (0.00019%); highest among the groups gnomAD compares: Non-Finnish European, 0.00025%; no homozygotes.

Submission:

Labcorp Genetics (formerly Invitae), Labcorp
Classification: Uncertain significance. Last evaluated: 2021-09-16. Review status: criteria provided, single submitter. Criteria: Invitae Variant Classification Sherloc (09022015). Collection method: clinical testing. Allele origin: germline.
Comment: Algorithms developed to predict the effect of missense changes on protein structure and function (SIFT, PolyPhen-2, Align-GVGD) all suggest that this variant is likely to be tolerated. In summary, the available evidence is currently insufficient to determine the role of this variant in disease. Therefore, it has been classified as a Variant of Uncertain Significance. This variant has not been reported in the literature in individuals affected with REPS1-related conditions. This variant is present in population databases (rs373461229, ExAC 0.002%). This sequence change replaces glycine with aspartic acid at codon 385 of the REPS1 protein (p.Gly385Asp). The glycine residue is moderately conserved and there is a moderate physicochemical difference between glycine and aspartic acid.

NM_001286611.2(REPS1):c.1154G>A (p.Gly385Asp)

Gene: REPS1 (RALBP1 associated Eps domain containing 1; minus strand). Cytogenetic location: 6q24.1.
Variant type: single nucleotide variant.
Coding change: c.1154G>A on transcript NM_001286611.2 (MANE Select); coding-DNA position 1154, G replaced by A.
Protein change: p.Gly385Asp; replaces glycine 385 with aspartic acid.
Molecular consequence: missense variant.
Genome position (GRCh38, 1-based): chr6:138,930,080, C>T on the plus strand (G>A on the coding strand, the complement: REPS1 is on the minus strand). VCF-style: chr6-138930080-C-T. GRCh37 (hg19) VCF-style: chr6-139251217-C-T.
Other names: c.1154G>A, p.Gly385Asp (NM_001128617.3, NM_001286612.2, NM_031922.5); short protein forms G385D.
Identifiers: ClinVar variation 1446445 (VCV001446445.6), dbSNP rs373461229, ClinGen allele CA4024261.